The following is an entry in ClinVar:

NM_000903.3(NQO1):c.278A>T (p.Glu93Val)

Gene: NQO1 (NAD(P)H quinone dehydrogenase 1; minus strand). Cytogenetic location: 16q22.1.
Variant type: single nucleotide variant.
Coding change: c.278A>T on transcript NM_000903.3 (MANE Select); coding-DNA position 278, A replaced by T.
Protein change: p.Glu93Val; replaces glutamic acid 93 with valine.
Molecular consequence: missense variant.
Genome position (GRCh38, 1-based): chr16:69,718,148, T>A on the plus strand (A>T on the coding strand, the complement: NQO1 is on the minus strand). VCF-style: chr16-69718148-T-A. GRCh37 (hg19) VCF-style: chr16-69752051-T-A.
Other names: c.278A>T, p.Glu93Val (NM_001025433.2, NM_001025434.2, NM_001286137.2); short protein forms E93V.
Identifiers: ClinVar variation 2624659 (VCV002624659.2), dbSNP rs2544332248, ClinGen allele CA396489824.

ClinVar aggregate classification (germline): Uncertain significance (1 of 4 stars; one submission).

Submission:

Ambry Genetics
Classification: Uncertain significance. Last evaluated: 2023-07-12. Review status: criteria provided, single submitter. Criteria: Ambry Variant Classification Scheme 2023. Collection method: clinical testing. Allele origin: germline.
Comment: The p.E93V variant (also known as c.278A>T), located in coding exon 3 of the NQO1 gene, results from an A to T substitution at nucleotide position 278. The glutamic acid at codon 93 is replaced by valine, an amino acid with dissimilar properties. This amino acid position is conserved. In addition, this alteration is predicted to be tolerated by in silico analysis. Since supporting evidence is limited at this time, the clinical significance of this alteration remains unclear.